The following is an entry in ClinVar:

ClinVar aggregate classification (germline): Likely pathogenic (1 of 4 stars; one submission).

Conditions:
Ataxia-telangiectasia syndrome (AT). Also called: ATAXIA-TELANGIECTASIA, COMPLEMENTATION GROUP A; Ataxia telangiectasia (A-T); Cerebello-oculocutaneous telangiectasia; Immunodeficiency with ataxia telangiectasia; LOUIS-BAR SYNDROME; ATAXIA-TELANGIECTASIA, FRESNO VARIANT. Identifiers: Orphanet 100, MedGen C0004135, MONDO:0008840, OMIM 208900.

Submission:

Labcorp Genetics (formerly Invitae), Labcorp
Classification: Likely pathogenic for Ataxia-telangiectasia syndrome. Last evaluated: 2023-01-06. Review status: criteria provided, single submitter. Criteria: Invitae Variant Classification Sherloc (09022015). Collection method: clinical testing. Allele origin: germline.
Comment: In summary, the currently available evidence indicates that the variant is pathogenic, but additional data are needed to prove that conclusively. Therefore, this variant has been classified as Likely Pathogenic. Algorithms developed to predict the effect of sequence changes on RNA splicing suggest that this variant may disrupt the consensus splice site. This variant has not been reported in the literature in individuals affected with ATM-related conditions. This variant is not present in population databases (gnomAD no frequency). This variant results in the deletion of part of exon 38 (c.5675-24_5699del) of the ATM gene. It is expected to disrupt RNA splicing. Variants that disrupt the donor or acceptor splice site typically lead to a loss of protein function (PMID: 16199547), and loss-of-function variants in ATM are known to be pathogenic (PMID: 23807571, 25614872).

Literature cited by the submitters: PubMed 16199547; PubMed 23807571; PubMed 25614872.

NM_000051.4(ATM):c.5675-24_5699del

Gene: ATM (ATM serine/threonine kinase; plus strand). Cytogenetic location: 11q22.3.
Variant type: Deletion.
Coding change: c.5675-24_5699del on transcript NM_000051.4 (MANE Select); 24 bases into the intron before coding-DNA position 5675 through coding-DNA position 5699, 49 bases deleted.
Molecular consequence: splice acceptor variant.
Genome position (GRCh38, 1-based): chr11:108,307,873-108,307,921, 49 bases deleted; deleting any 49 consecutive bases within chr11:108,307,870-108,307,921 gives the same sequence; the c. name uses the placement nearest the transcript's 3' end. GRCh37 (hg19): chr11:108,178,600-108,178,648.
Other names: c.5675-24_5699del (NM_001351834.2).
Identifiers: ClinVar variation 2826696 (VCV002826696.3), dbSNP rs2547004416, ClinGen allele CA2739270987.